The following is an entry in ClinVar:

NM_004281.4(BAG3):c.191C>T (p.Ser64Phe)

Gene: BAG3 (BAG cochaperone 3; plus strand). Cytogenetic location: 10q26.11.
Variant type: single nucleotide variant.
Coding change: c.191C>T on transcript NM_004281.4 (MANE Select); coding-DNA position 191, C replaced by T.
Protein change: p.Ser64Phe; replaces serine 64 with phenylalanine.
Molecular consequence: missense variant.
Genome position (GRCh38, 1-based): chr10:119,669,861, C>T. VCF-style: chr10-119669861-C-T. GRCh37 (hg19) VCF-style: chr10-121429373-C-T.
Other names: short protein forms S64F.
Identifiers: ClinVar variation 430505 (VCV000430505.15), dbSNP rs780615753, ClinGen allele CA5716261.

ClinVar aggregate classification (germline): Uncertain significance. Review status: criteria provided, multiple submitters, no conflicts (2 of 4 stars). 4 submissions from 4 submitters: Uncertain significance (4). Last evaluated 2026-01-18.

Conditions:
Cardiovascular phenotype. Identifiers: MedGen CN230736.
Dilated cardiomyopathy 1HH (CMD1HH). Identifiers: Orphanet 154, MedGen C3151293, MONDO:0013479, OMIM 613881.
Myofibrillar myopathy 6. Identifiers: Orphanet 199340, MedGen C2751831, MONDO:0013061, OMIM 612954.

Allele frequency attached by ClinVar (database versions not stated): ExAC 0.00002; gnomAD exomes 0.00002; TOPMed 0.00003; gnomAD 0.00004.
gnomAD v4.1: 27 of 1,614,064 alleles (0.0017%); highest among the groups gnomAD compares: Middle Eastern, 0.016%; no homozygotes.

Submissions (4):

Labcorp Genetics (formerly Invitae), Labcorp
Classification: Uncertain significance for Dilated cardiomyopathy 1HH; Myofibrillar myopathy 6. Last evaluated: 2026-01-18. Review status: criteria provided, single submitter. Criteria: Invitae Variant Classification Sherloc (09022015). Collection method: clinical testing. Allele origin: germline.
Comment: This sequence change replaces serine, which is neutral and polar, with phenylalanine, which is neutral and non-polar, at codon 64 of the BAG3 protein (p.Ser64Phe). This variant is present in population databases (rs780615753, gnomAD 0.004%). This missense change has been observed in individual(s) with dilated cardiomyopathy (internal data). ClinVar contains an entry for this variant (Variation ID: 430505). Invitae Evidence Modeling of protein sequence and biophysical properties (such as structural, functional, and spatial information, amino acid conservation, physicochemical variation, residue mobility, and thermodynamic stability) indicates that this missense variant is not expected to disrupt BAG3 protein function with a negative predictive value of 80%. In summary, the available evidence is currently insufficient to determine the role of this variant in disease. Therefore, it has been classified as a Variant of Uncertain Significance.

Women's Health and Genetics/Laboratory Corporation of America, LabCorp
Classification: Uncertain significance. Last evaluated: 2025-11-11. Review status: criteria provided, single submitter. Criteria: LabCorp Variant Classification Summary - May 2015. Collection method: clinical testing. Allele origin: germline.
Comment: Variant summary: BAG3 c.191C>T (p.Ser64Phe) results in a non-conservative amino acid change in the encoded protein sequence. Algorithms developed to predict the effect of missense changes on protein structure and function all suggest that this variant is likely to be disruptive. The variant allele was found at a frequency of 2e-05 in 251250 control chromosomes, predominantly at a frequency of 3.5e-05 within the Non-Finnish European subpopulation in the gnomAD database. The available data on variant occurrences in the general population are insufficient to allow any conclusion about variant significance. To our knowledge, no occurrence of c.191C>T in individuals affected with BAG3-related conditions and no experimental evidence demonstrating its impact on protein function have been reported. ClinVar contains an entry for this variant (Variation ID: 430505). Based on the evidence outlined above, the variant was classified as uncertain significance.

Ambry Genetics
Classification: Uncertain significance for Cardiovascular phenotype. Last evaluated: 2024-04-24. Review status: criteria provided, single submitter. Criteria: Ambry Variant Classification Scheme 2023. Collection method: clinical testing. Allele origin: germline.
Comment: The p.S64F variant (also known as c.191C>T), located in coding exon 2 of the BAG3 gene, results from a C to T substitution at nucleotide position 191. The serine at codon 64 is replaced by phenylalanine, an amino acid with highly dissimilar properties. This amino acid position is conserved. In addition, the in silico prediction for this alteration is inconclusive. Since supporting evidence is limited at this time, the clinical significance of this alteration remains unclear.

GeneDx
Classification: Uncertain significance. Last evaluated: 2017-05-19. Review status: criteria provided, single submitter. Criteria: GeneDx Variant Classification (06012015). Collection method: clinical testing. Allele origin: germline. Affected: yes.
Comment: A variant of uncertain significance has been identified in the BAG3 gene. The S64F variant has not been published as pathogenic or been reported as benign to our knowledge. This variant is not observed at a significant frequency in large population cohorts (Lek et al., 2016; 1000 Genomes Consortium et al., 2015; Exome Variant Server). The S64F variant is a non-conservative amino acid substitution, which is likely to impact secondary protein structure as these residues differ in polarity, charge, size and/or other properties. This substitution occurs at a position that is conserved in mammals. In silico analysis predicts this variant is probably damaging to the protein structure/function. However, this variant lacks observation in a significant number of affected individuals, segregation data, and functional evidence, which would further clarify its pathogenicity.